The following is an entry in ClinVar:

ClinVar aggregate classification (germline): Likely benign. Review status: criteria provided, multiple submitters, no conflicts (2 of 4 stars). 3 submissions from 3 submitters: Likely benign (2). 1 of the submissions does not count toward it. Last evaluated 2025-01-29.

Conditions:
CLPP-related disorder. Also called: CLPP-related condition.

Allele frequency attached by ClinVar (database versions not stated): ExAC 0.00001; TOPMed 0.00004; gnomAD 0.00007; ESP Exome Variant Server 0.00008; gnomAD exomes 0.00008.

Submissions (3):

Labcorp Genetics (formerly Invitae), Labcorp
Classification: Likely benign. Last evaluated: 2025-01-29. Review status: criteria provided, single submitter. Criteria: Invitae Variant Classification Sherloc (09022015). Collection method: clinical testing. Allele origin: germline.

Blueprint Genetics
Classification: Likely benign. Last evaluated: 2024-09-19. Review status: criteria provided, single submitter. Criteria: ACMG Guidelines, 2015. Collection method: clinical testing. Allele origin: germline.

PreventionGenetics, part of Exact Sciences
Classification: Likely benign for CLPP-related condition. Last evaluated: 2019-04-15. Review status: no assertion criteria provided. Collection method: clinical testing. Allele origin: germline. Not counted in ClinVar's aggregate classification.
Comment: This variant is classified as likely benign based on ACMG/AMP sequence variant interpretation guidelines (Richards et al. 2015 PMID: 25741868, with internal and published modifications).

NM_006012.4(CLPP):c.687C>T (p.Tyr229=)

Gene: CLPP (caseinolytic mitochondrial matrix peptidase proteolytic subunit; plus strand). Cytogenetic location: 19p13.3.
Variant type: single nucleotide variant.
Coding change: c.687C>T on transcript NM_006012.4 (MANE Select); coding-DNA position 687, C replaced by T.
Protein change: p.Tyr229=; no amino-acid change (tyrosine 229 retained).
Molecular consequence: synonymous variant.
Genome position (GRCh38, 1-based): chr19:6,368,563, C>T. VCF-style: chr19-6368563-C-T. GRCh37 (hg19) VCF-style: chr19-6368574-C-T.
Other names: c.687C>T (NM_006012.2).
Identifiers: ClinVar variation 2902153 (VCV002902153.6), dbSNP rs113472530, ClinGen allele CA9123009.
Genomic context (GRCh38, chr19:6,368,563, plus strand): 5'-ACCCTAATGTGTCTCACCTCCTGCTTCCCCACCAGAGTCCGCCATGGAGAGGGACCGCTA[C>T]ATGAGCCCCATGGAGGCCCAGGAGTTTGGCATCTTAGACAAGGTTCTGGTCCACCCTCCC-3'
Protein context (NP_006003.1, residues 219-239): VIESAMERDR[Tyr229=]MSPMEAQEFG